The following is an entry in ClinVar:

ClinVar aggregate classification (germline): Pathogenic/Likely pathogenic. Review status: criteria provided, multiple submitters, no conflicts (2 of 4 stars). 14 submissions from 14 submitters: Pathogenic (5); Likely pathogenic (8). 1 of the submissions does not count toward it. Last evaluated 2026-07-18.

Conditions:
MCCC1-related disorder. Also called: MCCC1-related condition.
Inborn genetic diseases. Identifiers: MedGen C0950123, MeSH D030342.
Methylcrotonyl-CoA carboxylase deficiency. Also called: Deficiency of methylcrotonoyl-CoA carboxylase; 3 Methylcrotonylglycinuria; 3-MCC Deficiency. Identifiers: Orphanet 6, MedGen C4551505, MONDO:0018950.
3-methylcrotonyl-CoA carboxylase 1 deficiency (MCC1D). Also called: MCCD TYPE 1; METHYLCROTONYLGLYCINURIA TYPE I; MCC 1 deficiency; 3 Alpha methylcrotonylglycinuria 1. Identifiers: Orphanet 6, MedGen CN028786, MONDO:0008861, OMIM 210200.

Allele frequency attached by ClinVar (database versions not stated): gnomAD exomes 0.00002; ExAC 0.00002; gnomAD 0.00006 and 0.00005; TOPMed 0.00007.
gnomAD v4.1: 160 of 1,613,998 alleles (0.0099%); highest among the groups gnomAD compares: Non-Finnish European, 0.013%; no homozygotes.

Submissions (14):

GeneDx
Classification: Pathogenic. Last evaluated: 2026-07-18. Review status: criteria provided, single submitter. Criteria: GeneDx Variant Classification Process June 2021. Collection method: clinical testing. Allele origin: germline.
Comment: Published functional studies demonstrate reduced enzymatic activity (PMID: 14680978); Not observed at significant frequency in large population cohorts (gnomAD); In silico analysis supports that this missense variant has a deleterious effect on protein structure/function; This variant is associated with the following publications: (PMID: 25087612, 30609409, 22642865, 25356967, 11170888, 14680978)

Labcorp Genetics (formerly Invitae), Labcorp
Classification: Pathogenic for 3-methylcrotonyl-CoA carboxylase 1 deficiency. Last evaluated: 2026-01-24. Review status: criteria provided, single submitter. Criteria: Invitae Variant Classification Sherloc (09022015). Collection method: clinical testing. Allele origin: germline.
Comment: This sequence change replaces methionine, which is neutral and non-polar, with arginine, which is basic and polar, at codon 325 of the MCCC1 protein (p.Met325Arg). This variant is present in population databases (rs119103212, gnomAD 0.008%). This missense change has been observed in individuals with 3 methylcrotonyl-CoA carboxylase deficiency (PMID: 11170888, 25356967; internal data). ClinVar contains an entry for this variant (Variation ID: 1929). Invitae Evidence Modeling of protein sequence and biophysical properties (such as structural, functional, and spatial information, amino acid conservation, physicochemical variation, residue mobility, and thermodynamic stability) indicates that this missense variant is expected to disrupt MCCC1 protein function with a positive predictive value of 80%. Experimental studies have shown that this missense change affects MCCC1 function (PMID: 14680978). For these reasons, this variant has been classified as Pathogenic.

Natera, Inc.
Classification: Likely pathogenic for 3-methylcrotonyl-CoA carboxylase 1 deficiency. Last evaluated: 2026-01-15. Review status: criteria provided, single submitter. Criteria: Natera Variant Classification Schema (03/2026). Collection method: clinical testing. Allele origin: germline.
Comment: The c.974T>G variant in MCCC1 is a missense variant predicted to cause substitution of methionine to arginine at amino acid 325. This variant is rare in the general population with a frequency below the threshold expected for the associated phenotype(s). This variant has been observed in one or more individuals affected with the associated recessive disease, as either homozygous or compound heterozygous with a second variant (PMID: 11170888, 25356967). Functional studies show that this variant may disrupt protein function (PMID: 14680978). Computational prediction algorithms indicate this variant is likely to affect gene or protein function. Given the available evidence, this variant is classified as Likely Pathogenic.

Ambry Genetics
Classification: Likely pathogenic for Inborn genetic diseases. Last evaluated: 2025-03-07. Review status: criteria provided, single submitter. Criteria: Ambry Variant Classification Scheme 2023. Collection method: clinical testing. Allele origin: germline.
Comment: The c.974T>G (p.M325R) alteration is located in exon 10 (coding exon 10) of the MCCC1 gene. This alteration results from a T to G substitution at nucleotide position 974, causing the methionine (M) at amino acid position 325 to be replaced by an arginine (R). Based on data from gnomAD, the G allele has an overall frequency of 0.003% (7/282782) total alleles studied. The highest observed frequency was 0.005% (6/129100) of European (non-Finnish) alleles. This variant has been identified in the homozygous state and/or in conjunction with other MCCC1 variant(s) in individual(s) with features consistent with 3-Methylcrotonyl-CoA carboxylase 1 deficiency (Gallardo, 2001; Shepard, 2015). This amino acid position is highly conserved in available vertebrate species. In an assay testing MCCC1 function, this variant showed a functionally abnormal result (Desviat, 2003). This alteration is predicted to be deleterious by in silico analysis. Based on the available evidence, this alteration is classified as likely pathogenic.

PreventionGenetics, part of Exact Sciences
Classification: Likely pathogenic for MCCC1-related condition. Last evaluated: 2025-01-29. Review status: criteria provided, single submitter. Criteria: ACMG Guidelines, 2015. Collection method: clinical testing. Allele origin: germline.
Comment: The MCCC1 c.974T>G variant is predicted to result in the amino acid substitution p.Met325Arg. This variant has previously been reported, in the homozygous or compound heterozygous state, in individuals with 3-methylcrotonyl-CoA carboxylase deficiency (Gallardo et al. 2001. PubMed ID: 11170888; Shepard et al. 2015. PubMed ID: 25356967). The p.Met325Arg amino acid substitution was reported to prevent the required biotinylation of the MCC protein (Gallardo et al. 2001. PubMed ID: 11170888). Consistent with this observation, in a functional study the p.Met325Arg substitution was reported to reduce activity of the 3-methylcrotonyl-CoA carboxylase enzyme to 6% of wild-type (Desviat et al. 2003. PubMed ID: 14680978). Based on these observations, we classify this variant as likely pathogenic.

Baylor Genetics
Classification: Pathogenic for 3-methylcrotonyl-CoA carboxylase 1 deficiency. Last evaluated: 2024-03-07. Review status: criteria provided, single submitter. Criteria: ACMG Guidelines, 2015. Collection method: clinical testing. Allele origin: unknown.

Greenwood Genetic Center Diagnostic Laboratories, Greenwood Genetic Center
Classification: Likely pathogenic for 3-methylcrotonyl-CoA carboxylase 1 deficiency. Last evaluated: 2024-02-15. Review status: criteria provided, single submitter. Criteria: ACMG Guidelines, 2015. Collection method: clinical testing. Allele origin: germline. Affected: yes.
Comment: PS3, PM2, PM3, PP3

Blueprint Genetics
Classification: Likely pathogenic for MCCC1-related disorders. Last evaluated: 2020-10-17. Review status: criteria provided, single submitter. Criteria: ACMG Guidelines, 2015. Collection method: clinical testing. Allele origin: germline. Affected: yes. Observed: 2 variant alleles.

Fulgent Genetics
Classification: Likely pathogenic for 3-methylcrotonyl-CoA carboxylase 1 deficiency. Last evaluated: 2018-10-31. Review status: criteria provided, single submitter. Criteria: ACMG Guidelines, 2015. Collection method: clinical testing. Allele origin: unknown.

SIB Swiss Institute of Bioinformatics
Classification: Likely pathogenic for 3-methylcrotonyl-CoA carboxylase 1 deficiency. Last evaluated: 2018-10-15. Review status: criteria provided, single submitter. Criteria: ACMG Guidelines, 2015. Collection method: curation. Allele origin: germline.
Comment: This variant is interpreted as Likely Pathogenic, for 3-Methylcrotonyl-CoA carboxylase 1 deficiency, autosomal recessive. The following ACMG Tag(s) were applied: PM2 => Absent from controls (or at extremely low frequency if recessive) in Exome Sequencing Project, 1000 Genomes Project, or Exome Aggregation Consortium. PP3 => Multiple lines of computational evidence support a deleterious effect on the gene or gene product. PS3 => Well-established functional studies show a deleterious effect (PubMed 11170888).

Laboratory for Molecular Medicine, Mass General Brigham Personalized Medicine
Classification: Likely pathogenic for Methylcrotonyl-CoA carboxylase deficiency. Last evaluated: 2017-09-07. Review status: criteria provided, single submitter. Criteria: LMM Criteria. Collection method: clinical testing. Allele origin: germline. Inheritance: Autosomal recessive inheritance. Observed: 1 variant allele.
Comment: The p.Met325Arg (NM_020166.3 c.974T>G) variant in MCCC1 has been reported in 1 h omozygous and 2 compound heterozygous individuals with 3-methylcrotonyl-CoA carb oxylase deficiency (MCCD type 1), one of whom was an asymptomatic mother who was discovered by newborn screening results of their baby (Gallardo 2001 and Shep ard 2015). This variant has also been reported in ClinVar (Variation ID#1929). F unctional studies support for an impact to the protein (Gallardo 2001). This var iant has been identified in 2/24024 of African chromosomes by the Genome Aggrega tion Database (gnomAD; dbSNP rs119103212). Alt hough this variant has been seen in the general population, its frequency is low enough to be consistent with a recessive carrier frequency. In summary, althoug h additional studies are required to fully establish its clinical significance, the p.Met325Arg variant is likely pathogenic for MCCD type 1 in an autosomal rec essive manner based upon its biallelic occurrence in individuals with this disea se and low frequency in controls.

Center for Pediatric Genomic Medicine, Children's Mercy Hospital and Clinics
Classification: Pathogenic. Last evaluated: 2017-08-31. Review status: criteria provided, single submitter. Criteria: ACMG Guidelines, 2015. Collection method: clinical testing. Allele origin: germline.

Eurofins Ntd Llc (ga)
Classification: Pathogenic. Last evaluated: 2017-01-20. Review status: criteria provided, single submitter. Criteria: EGL Classification Definitions. Collection method: clinical testing. Allele origin: germline. Observed: 9 variant alleles, 9 heterozygotes.

OMIM
Classification: Pathogenic for 3-METHYLCROTONYL-CoA CARBOXYLASE 1 DEFICIENCY. Last evaluated: 2001-02-01. Review status: no assertion criteria provided. Collection method: literature only. Allele origin: germline. Not counted in ClinVar's aggregate classification.

Literature cited by the submitters: PubMed 11170888 (cited by 6 submitters); PubMed 25356967 (cited by 4 submitters); PubMed 14680978 (cited by 3 submitters).

NM_020166.5(MCCC1):c.974T>G (p.Met325Arg)

Gene: MCCC1 (methylcrotonyl-CoA carboxylase subunit 1; minus strand). Cytogenetic location: 3q27.1.
Variant type: single nucleotide variant.
Coding change: c.974T>G on transcript NM_020166.5 (MANE Select); coding-DNA position 974, T replaced by G.
Protein change: p.Met325Arg; replaces methionine 325 with arginine.
Molecular consequence: missense variant. On other transcripts: non-coding transcript variant (2).
Genome position (GRCh38, 1-based): chr3:183,045,522, A>C on the plus strand (T>G on the coding strand, the complement: MCCC1 is on the minus strand). VCF-style: chr3-183045522-A-C. GRCh37 (hg19) VCF-style: chr3-182763310-A-C.
Other names: p.M325R:ATG>AGG; c.623T>G, p.Met208Arg (NM_001293273.2); c.647T>G, p.Met216Arg (NM_001363880.1); short protein forms M325R, M208R, M216R.
Identifiers: ClinVar variation 1929 (VCV000001929.40), dbSNP rs119103212, ClinGen allele CA251975.